The following is an entry in ClinVar:

NM_014363.6(SACS):c.9233del (p.Asn3078fs)

Gene: SACS (sacsin molecular chaperone; minus strand). Cytogenetic location: 13q12.12.
Variant type: Deletion.
Coding change: c.9233del on transcript NM_014363.6 (MANE Select); coding-DNA position 9233, one base deleted (A; older notation c.9233delA).
Protein change: p.Asn3078fs; shifts the reading frame from asparagine 3078.
Molecular consequence: frameshift variant.
Genome position (GRCh38, 1-based): chr13:23,334,643, T deleted on the plus strand (A on the coding strand, the reverse complement: SACS is on the minus strand); the first of 2 consecutive T bases (chr13:23,334,643-23,334,644); deleting either gives the same sequence. VCF-style (leftmost placement, unchanged base first): chr13-23334642-AT-A. GRCh37 (hg19) VCF-style: chr13-23908781-AT-A.
Other names: c.8792del, p.Asn2931fs (NM_001278055.2); c.9233delA (NM_014363.5); short protein forms N3078fs, N2931fs.
Identifiers: ClinVar variation 662301 (VCV000662301.8), dbSNP rs1593125341, ClinGen allele CA915946852.

ClinVar aggregate classification (germline): Pathogenic (1 of 4 stars; one submission).

Conditions:
Spastic paraplegia. Identifiers: MedGen C0037772, HP:0001258.

Submission:

Labcorp Genetics (formerly Invitae), Labcorp
Classification: Pathogenic for Spastic paraplegia. Last evaluated: 2018-07-19. Review status: criteria provided, single submitter. Criteria: Invitae Variant Classification Sherloc (09022015). Collection method: clinical testing. Allele origin: germline.
Comment: This sequence change results in a premature translational stop signal in the SACS gene (p.Asn3078Ilefs*7). While this is not anticipated to result in nonsense mediated decay, it is expected to disrupt the last 1502 amino acids of the SACS protein. This variant is not present in population databases (ExAC no frequency). This variant has not been reported in the literature in individuals with SACS-related disease. A different truncation (p.Arg3903*) that lies downstream of this variant has been determined to be pathogenic (PMID: 19892370, 21745802). This suggests that deletion of this region of the SACS protein is causative of disease. For these reasons, this variant has been classified as Pathogenic.

Literature cited by the submitters: PubMed 19892370; PubMed 21745802.